The following is an entry in ClinVar:

ClinVar aggregate classification (germline): Uncertain significance (1 of 4 stars; one submission).

Allele frequency attached by ClinVar (database versions not stated): ExAC 0.00001; gnomAD exomes below 0.00001.
gnomAD v4.1: 3 of 1,614,022 alleles (0.00019%); highest among the groups gnomAD compares: Admixed American, 0.0033%; no homozygotes.

Submission:

Labcorp Genetics (formerly Invitae), Labcorp
Classification: Uncertain significance. Last evaluated: 2023-08-04. Review status: criteria provided, single submitter. Criteria: Invitae Variant Classification Sherloc (09022015). Collection method: clinical testing. Allele origin: germline.
Comment: In summary, the available evidence is currently insufficient to determine the role of this variant in disease. Therefore, it has been classified as a Variant of Uncertain Significance. An algorithm developed to predict the effect of missense changes on protein structure and function (PolyPhen-2) suggests that this variant is likely to be disruptive. ClinVar contains an entry for this variant (Variation ID: 2076265). This variant has not been reported in the literature in individuals affected with KIAA0556-related conditions. This variant is present in population databases (rs755734659, gnomAD 0.006%). This sequence change replaces asparagine, which is neutral and polar, with serine, which is neutral and polar, at codon 486 of the KIAA0556 protein (p.Asn486Ser).

NM_015202.5(KATNIP):c.1457A>G (p.Asn486Ser)

Genes: KATNIP (katanin interacting protein; plus strand), LOC100128079 (uncharacterized LOC100128079; minus strand). Cytogenetic location: 16p12.1.
Variant type: single nucleotide variant.
Coding change: c.1457A>G on transcript NM_015202.5 (MANE Select); coding-DNA position 1457, A replaced by G.
Protein change: p.Asn486Ser; replaces asparagine 486 with serine.
Molecular consequence: missense variant. On other transcripts: non-coding transcript variant (1).
Genome position (GRCh38, 1-based): chr16:27,708,772, A>G. VCF-style: chr16-27708772-A-G. GRCh37 (hg19) VCF-style: chr16-27720093-A-G.
Other names: short protein forms N486S.
Identifiers: ClinVar variation 2076265 (VCV002076265.4), dbSNP rs755734659, ClinGen allele CA7977710.
Genomic context (GRCh38, chr16:27,708,772, plus strand): 5'-AGAGAATGAGGGCAGACGAGATCAAAGATGCCATCTACGTGACCATGGAGATCCTGTCCA[A>G]CTGGGGCAACTCGTGGTGGGTGGGTCTCACAGAAGTCGAGTTCTTTGACTTGAATGACAC-3'
Protein context (NP_056017.4, residues 476-496): AIYVTMEILS[Asn486Ser]WGNSWWVGLT